The following is an entry in ClinVar:

ClinVar aggregate classification (germline): Uncertain significance (1 of 4 stars; one submission).

gnomAD v4.1: 1 of 1,614,012 alleles (0.000062%); highest among the groups gnomAD compares: Non-Finnish European, 0.000085%; no homozygotes.

Submission:

Ambry Genetics
Classification: Uncertain significance. Last evaluated: 2022-11-13. Review status: criteria provided, single submitter. Criteria: Ambry Variant Classification Scheme 2023. Collection method: clinical testing. Allele origin: germline.
Comment: The p.F1104L variant (also known as c.3312C>A), located in coding exon 29 of the KIF1B gene, results from a C to A substitution at nucleotide position 3312. The phenylalanine at codon 1104 is replaced by leucine, an amino acid with highly similar properties. This amino acid position is conserved. In addition, this alteration is predicted to be deleterious by in silico analysis. Since supporting evidence is limited at this time, the clinical significance of this alteration remains unclear.

NM_001365951.3(KIF1B):c.3450C>A (p.Phe1150Leu)

Gene: KIF1B (kinesin family member 1B; plus strand). Cytogenetic location: 1p36.22.
Variant type: single nucleotide variant.
Coding change: c.3450C>A on transcript NM_001365951.3 (MANE Select); coding-DNA position 3450, C replaced by A.
Protein change: p.Phe1150Leu; replaces phenylalanine 1150 with leucine.
Molecular consequence: missense variant.
Genome position (GRCh38, 1-based): chr1:10,339,796, C>A. VCF-style: chr1-10339796-C-A. GRCh37 (hg19) VCF-style: chr1-10399854-C-A.
Other names: c.3450C>A, p.Phe1150Leu (NM_001365952.1); c.3312C>A, p.Phe1104Leu (NM_015074.3); short protein forms F1150L, F1104L.
Identifiers: ClinVar variation 2448706 (VCV002448706.2), dbSNP rs2521737833, ClinGen allele CA338340988.